The following is an entry in ClinVar:

NM_022552.5(DNMT3A):c.386C>T (p.Ser129Leu)

Gene: DNMT3A (DNA methyltransferase 3 alpha; minus strand). Cytogenetic location: 2p23.3.
Variant type: single nucleotide variant.
Coding change: c.386C>T on transcript NM_022552.5 (MANE Select); coding-DNA position 386, C replaced by T.
Protein change: p.Ser129Leu; replaces serine 129 with leucine.
Molecular consequence: missense variant. On other transcripts: non-coding transcript variant (1).
Genome position (GRCh38, 1-based): chr2:25,282,503, G>A on the plus strand (C>T on the coding strand, the complement: DNMT3A is on the minus strand). VCF-style: chr2-25282503-G-A. GRCh37 (hg19) VCF-style: chr2-25505372-G-A.
Other names: c.386C>T, p.Ser129Leu (NM_001320892.2, NM_175629.2, NM_175630.1); short protein forms S129L.
Identifiers: ClinVar variation 1042707 (VCV001042707.10), dbSNP rs1008365985, ClinGen allele CA43726344.

ClinVar aggregate classification (germline): Uncertain significance. Review status: criteria provided, multiple submitters, no conflicts (2 of 4 stars). 2 submissions from 2 submitters: Uncertain significance (2). Last evaluated 2026-04-15.

Conditions:
Tatton-Brown-Rahman overgrowth syndrome. Also called: Tall stature-intellectual disability-facial dysmorphism syndrome; Tatton-Brown-Rahman syndrome. Identifiers: Orphanet 404443, MedGen C4014545, MONDO:0014382, OMIM 615879.
DNMT3A-related disorder. Also called: DNMT3A-related disorders; DNMT3A-related condition.

Allele frequency attached by ClinVar (database versions not stated): gnomAD exomes 0.00002 and 0.00003; TOPMed 0.00003; gnomAD 0.00006.
gnomAD v4.1: 56 of 1,613,324 alleles (0.0035%); highest among the groups gnomAD compares: Non-Finnish European, 0.0045%; no homozygotes.

Submissions (2):

PreventionGenetics, part of Exact Sciences
Classification: Uncertain significance for DNMT3A-related condition. Last evaluated: 2026-04-15. Review status: criteria provided, single submitter. Criteria: ACMG Guidelines, 2015. Collection method: clinical testing. Allele origin: germline.
Comment: The DNMT3A c.386C>T variant is predicted to result in the amino acid substitution p.Ser129Leu. To our knowledge, this variant has not been reported in the literature. This variant is reported in 0.0062% of alleles in individuals of European (Non-Finnish) descent in gnomAD. At this time, the clinical significance of this variant is uncertain due to the absence of conclusive functional and genetic evidence.

Labcorp Genetics (formerly Invitae), Labcorp
Classification: Uncertain significance for Tatton-Brown-Rahman overgrowth syndrome. Last evaluated: 2025-11-15. Review status: criteria provided, single submitter. Criteria: Invitae Variant Classification Sherloc (09022015). Collection method: clinical testing. Allele origin: germline.
Comment: This sequence change replaces serine, which is neutral and polar, with leucine, which is neutral and non-polar, at codon 129 of the DNMT3A protein (p.Ser129Leu). This variant is present in population databases (no rsID available, gnomAD 0.006%). This variant has not been reported in the literature in individuals affected with DNMT3A-related conditions. ClinVar contains an entry for this variant (Variation ID: 1042707). Invitae Evidence Modeling of protein sequence and biophysical properties (such as structural, functional, and spatial information, amino acid conservation, physicochemical variation, residue mobility, and thermodynamic stability) indicates that this missense variant is not expected to disrupt DNMT3A protein function with a negative predictive value of 95%. In summary, the available evidence is currently insufficient to determine the role of this variant in disease. Therefore, it has been classified as a Variant of Uncertain Significance.